The following is an entry in ClinVar:

ClinVar aggregate classification (germline): Uncertain significance (1 of 4 stars; one submission).

gnomAD v4.1: 1 of 1,184,631 alleles (0.000084%); highest among the groups gnomAD compares: Non-Finnish European, 0.00011%; no homozygotes.

Submission:

GeneDx
Classification: Uncertain significance. Last evaluated: 2024-06-24. Review status: criteria provided, single submitter. Criteria: GeneDx Variant Classification Process June 2021. Collection method: clinical testing. Allele origin: germline. Affected: yes.
Comment: Not observed at significant frequency in large population cohorts (gnomAD); In silico analysis indicates that this missense variant does not alter protein structure/function; Has not been previously published as pathogenic or benign to our knowledge

NM_001330360.2(POLA1):c.575C>T (p.Ser192Phe)

Gene: POLA1 (DNA polymerase alpha 1, catalytic subunit; plus strand). Cytogenetic location: Xp22.11.
Variant type: single nucleotide variant.
Coding change: c.575C>T on transcript NM_001330360.2 (MANE Select); coding-DNA position 575, C replaced by T.
Protein change: p.Ser192Phe; replaces serine 192 with phenylalanine.
Molecular consequence: missense variant. On other transcripts: non-coding transcript variant (2).
Genome position (GRCh38, 1-based): chrX:24,716,411, C>T. VCF-style: chrX-24716411-C-T. GRCh37 (hg19) VCF-style: chrX-24734528-C-T.
Other names: c.575C>T, p.Ser192Phe (NM_001378303.1); c.557C>T, p.Ser186Phe (NM_016937.4); short protein forms S186F, S192F.
Identifiers: ClinVar variation 3392726 (VCV003392726.1).
Genomic context (GRCh38, chrX:24,716,411, plus strand): 5'-TTTCCTTTTAGACACCTCAAATAACTCCACCACCTGTAATGATACTGAAGAAGAAAAGAT[C>T]CATTGGAGCTTCACCGAATCCTTTCTCTGTGCACACCGCCACGGTAAAGTGTGTAGAGAT-3'
Protein context (NP_001317289.1, residues 182-202): PPVMILKKKR[Ser192Phe]IGASPNPFSV